The following is an entry in ClinVar:

ClinVar aggregate classification (germline): Uncertain significance (1 of 4 stars; one submission).

Submission:

Greenwood Genetic Center Diagnostic Laboratories, Greenwood Genetic Center
Classification: Uncertain significance. Last evaluated: 2024-09-10. Review status: criteria provided, single submitter. Criteria: ACMG Guidelines, 2015. Collection method: clinical testing. Allele origin: germline. Affected: yes.
Comment: PM2

NM_001039591.3(USP9X):c.*514T>G

Gene: USP9X (ubiquitin specific peptidase 9 X-linked; plus strand). Cytogenetic location: Xp11.4.
Variant type: single nucleotide variant.
Coding change: c.*514T>G on transcript NM_001039591.3 (MANE Select); 514 bases downstream of the stop codon, T replaced by G.
Molecular consequence: 3 prime UTR variant.
Genome position (GRCh38, 1-based): chrX:41,233,038, T>G. VCF-style: chrX-41233038-T-G. GRCh37 (hg19) VCF-style: chrX-41092291-T-G.
Other names: c.*514T>G (NM_001039590.3, NM_001410748.1, NM_001410749.1).
Identifiers: ClinVar variation 3765640 (VCV003765640.1).